The following is an entry in ClinVar:

ClinVar aggregate classification (germline): Benign/Likely benign. Review status: criteria provided, multiple submitters, no conflicts (2 of 4 stars). 3 submissions from 3 submitters: Benign (1); Likely benign (2). Last evaluated 2024-11-13.

Conditions:
Hereditary cancer-predisposing syndrome. Also called: Neoplastic Syndromes, Hereditary; Tumor predisposition; Hereditary Cancer Syndrome; Hereditary neoplastic syndrome. Identifiers: Orphanet 140162, MedGen C0027672, MeSH D009386, MONDO:0015356.
Renal cell carcinoma. Identifiers: Orphanet 217071, MedGen C0007134, MeSH D002292, MONDO:0005086, HP:0005584.
Papillary renal cell carcinoma type 1 (RCCP1). Also called: Renal adenocarcinoma; Renal cell carcinoma 1; Renal cell carcinoma, somatic; RENAL CELL CARCINOMA, PAPILLARY, 1, SOMATIC. Identifiers: Orphanet 47044, MedGen C1336839, OMIM 605074, HP:0011797.

Submissions (3):

Myriad Genetics, Inc.
Classification: Benign for Papillary renal cell carcinoma type 1. Last evaluated: 2024-11-13. Review status: criteria provided, single submitter. Criteria: Myriad Autosomal Dominant, Autosomal Recessive and X-Linked Classification Criteria (2023). Collection method: clinical testing. Allele origin: unknown.
Comment: This variant is considered benign. This variant is a silent/synonymous amino acid change and it is not expected to impact splicing.

Ambry Genetics
Classification: Likely benign for Hereditary cancer-predisposing syndrome. Last evaluated: 2023-11-15. Review status: criteria provided, single submitter. Criteria: Ambry Variant Classification Scheme 2023. Collection method: clinical testing. Allele origin: germline.

Labcorp Genetics (formerly Invitae), Labcorp
Classification: Likely benign for Renal cell carcinoma. Last evaluated: 2023-04-08. Review status: criteria provided, single submitter. Criteria: Invitae Variant Classification Sherloc (09022015). Collection method: clinical testing. Allele origin: germline.

NM_000245.4(MET):c.3369A>G (p.Gln1123=)

Gene: MET (MET proto-oncogene, receptor tyrosine kinase; plus strand). Cytogenetic location: 7q31.2.
Variant type: single nucleotide variant.
Coding change: c.3369A>G on transcript NM_000245.4 (MANE Select); coding-DNA position 3369, A replaced by G.
Protein change: p.Gln1123=; no amino-acid change (glutamine 1123 retained).
Molecular consequence: synonymous variant.
Genome position (GRCh38, 1-based): chr7:116,778,804, A>G. VCF-style: chr7-116778804-A-G. GRCh37 (hg19) VCF-style: chr7-116418858-A-G.
Other names: c.3423A>G, p.Gln1141= (NM_001127500.3); c.2079A>G, p.Gln693= (NM_001324402.2).
Identifiers: ClinVar variation 2779859 (VCV002779859.5), dbSNP rs200138825, ClinGen allele CA164909051.
Genomic context (GRCh38, chr7:116,778,804, plus strand): 5'-GAAGTTAATGTCTCCACCACTGGATTTCTCAGGAATCACTGACATAGGAGAAGTTTCCCA[A>G]TTTCTGACCGAGGGAATCATCATGAAAGATTTTAGTCATCCCAATGTCCTCTCGCTCCTG-3'
Protein context (NP_000236.2, residues 1113-1133): NRITDIGEVS[Gln1123=]FLTEGIIMKD